The following is an entry in ClinVar:

ClinVar aggregate classification (germline): Likely benign. Review status: criteria provided, multiple submitters, no conflicts (2 of 4 stars). 2 submissions from 2 submitters: Likely benign (2). Last evaluated 2026-05-14.

Conditions:
CNNM2-related disorder. Also called: CNNM2-related condition.

Submissions (2):

Revvity Omics, Revvity
Classification: Likely benign. Last evaluated: 2026-05-14. Review status: criteria provided, single submitter. Criteria: ACMG Guidelines, 2015. Collection method: clinical testing. Allele origin: germline.

PreventionGenetics, part of Exact Sciences
Classification: Likely benign for CNNM2-related condition. Last evaluated: 2025-06-20. Review status: criteria provided, single submitter. Criteria: ACMG Guidelines, 2015. Collection method: clinical testing. Allele origin: germline.
Comment: This variant is classified as likely benign based on ACMG/AMP sequence variant interpretation guidelines (Richards et al. 2015 PMID: 25741868, with internal and published modifications).

NM_017649.5(CNNM2):c.885G>C (p.Thr295=)

Gene: CNNM2 (cyclin and CBS domain divalent metal cation transport mediator 2; plus strand). Cytogenetic location: 10q24.32.
Variant type: single nucleotide variant.
Coding change: c.885G>C on transcript NM_017649.5 (MANE Select); coding-DNA position 885, G replaced by C.
Protein change: p.Thr295=; no amino-acid change (threonine 295 retained).
Molecular consequence: synonymous variant.
Genome position (GRCh38, 1-based): chr10:102,919,365, G>C. VCF-style: chr10-102919365-G-C. GRCh37 (hg19) VCF-style: chr10-104679122-G-C.
Other names: c.885G>C, p.Thr295= (NM_199076.3, NM_199077.3); c.885G>C (NM_017649.4).
Identifiers: ClinVar variation 4877032 (VCV004877032.2).